The following is an entry in ClinVar:

ClinVar aggregate classification (germline): Uncertain significance. Review status: criteria provided, multiple submitters, no conflicts (2 of 4 stars). 2 submissions from 2 submitters: Uncertain significance (2). Last evaluated 2025-08-05.

Conditions:
Inborn genetic diseases. Identifiers: MedGen C0950123, MeSH D030342.

gnomAD v4.1: 64 of 1,613,824 alleles (0.004%); highest among the groups gnomAD compares: East Asian, 0.018%; no homozygotes.

Submissions (2):

Ambry Genetics
Classification: Uncertain significance for Inborn genetic diseases. Last evaluated: 2025-08-05. Review status: criteria provided, single submitter. Criteria: Ambry Variant Classification Scheme 2023. Collection method: clinical testing. Allele origin: germline.

Labcorp Genetics (formerly Invitae), Labcorp
Classification: Uncertain significance. Last evaluated: 2022-05-21. Review status: criteria provided, single submitter. Criteria: Invitae Variant Classification Sherloc (09022015). Collection method: clinical testing. Allele origin: germline.
Comment: This sequence change replaces alanine, which is neutral and non-polar, with valine, which is neutral and non-polar, at codon 431 of the SH3PXD2B protein (p.Ala431Val). This variant is present in population databases (rs534796248, gnomAD 0.02%). This variant has not been reported in the literature in individuals affected with SH3PXD2B-related conditions. Algorithms developed to predict the effect of missense changes on protein structure and function (SIFT, PolyPhen-2, Align-GVGD) all suggest that this variant is likely to be disruptive. In summary, the available evidence is currently insufficient to determine the role of this variant in disease. Therefore, it has been classified as a Variant of Uncertain Significance.

NM_001017995.3(SH3PXD2B):c.1292C>T (p.Ala431Val)

Gene: SH3PXD2B (SH3 and PX domains 2B; minus strand). Cytogenetic location: 5q35.1.
Variant type: single nucleotide variant.
Coding change: c.1292C>T on transcript NM_001017995.3 (MANE Select); coding-DNA position 1292, C replaced by T.
Protein change: p.Ala431Val; replaces alanine 431 with valine.
Molecular consequence: missense variant. On other transcripts: intron variant (1).
Genome position (GRCh38, 1-based): chr5:172,339,813, G>A on the plus strand (C>T on the coding strand, the complement: SH3PXD2B is on the minus strand). VCF-style: chr5-172339813-G-A. GRCh37 (hg19) VCF-style: chr5-171766817-G-A.
Other names: c.1188+6323C>T (NM_001308175.2); c.1292C>T (NM_001017995.2); short protein forms A431V.
Identifiers: ClinVar variation 1908714 (VCV001908714.5), dbSNP rs534796248, ClinGen allele CA3561223.
Genomic context (GRCh38, chr5:172,339,813, plus strand): 5'-TCCCCCAGCCGGAGCTGGGTCACCTCGTGGGGCAGGGGAGCCAGAAAGTTGGGTCTCGAC[G>A]CGTTGCTCGTCTTCTTGTACTTGTCAATGAAGGTGGCCGGGGCCCACCCTTCCTTATCTT-3'
Protein context (NP_001017995.1, residues 421-441): FIDKYKKTSN[Ala431Val]SRPNFLAPLP